The following is an entry in ClinVar:

ClinVar aggregate classification (germline): Uncertain significance (1 of 4 stars; one submission).

Conditions:
Cardiovascular phenotype. Identifiers: MedGen CN230736.

Submission:

Ambry Genetics
Classification: Uncertain significance for Cardiovascular phenotype. Last evaluated: 2025-04-05. Review status: criteria provided, single submitter. Criteria: Ambry Variant Classification Scheme 2023. Collection method: clinical testing. Allele origin: germline.
Comment: The p.G3083D variant (also known as c.9248G>A), located in coding exon 26 of the TNXB gene, results from a G to A substitution at nucleotide position 9248. The glycine at codon 3083 is replaced by aspartic acid, an amino acid with similar properties. This amino acid position is conserved. In addition, this alteration is predicted to be tolerated by in silico analysis. Based on the available evidence, the clinical significance of this variant remains unclear.

NM_001365276.2(TNXB):c.9254G>A (p.Gly3085Asp)

Gene: TNXB (tenascin XB; minus strand). Cytogenetic location: 6p21.33.
Variant type: single nucleotide variant.
Coding change: c.9254G>A on transcript NM_001365276.2 (MANE Select); coding-DNA position 9254, G replaced by A.
Protein change: p.Gly3085Asp; replaces glycine 3085 with aspartic acid.
Molecular consequence: missense variant.
Genome position (GRCh38, 1-based): chr6:32,050,183, C>T on the plus strand (G>A on the coding strand, the complement: TNXB is on the minus strand). VCF-style: chr6-32050183-C-T. GRCh37 (hg19) VCF-style: chr6-32017960-C-T.
Other names: c.9995G>A, p.Gly3332Asp (NM_001428335.1); c.9248G>A, p.Gly3083Asp (NM_019105.8); short protein forms G3085D, G3332D, G3083D.
Identifiers: ClinVar variation 3971987 (VCV003971987.1).